The following is an entry in ClinVar:

ClinVar aggregate classification (germline): Uncertain significance. Review status: criteria provided, multiple submitters, no conflicts (2 of 4 stars). 3 submissions from 3 submitters: Uncertain significance (3). Last evaluated 2025-10-20.

Conditions:
FAT2-related disorder. Also called: FAT2-related condition.

Allele frequency attached by ClinVar (database versions not stated): ExAC 0.00004; TOPMed 0.00010; gnomAD exomes 0.00012; gnomAD 0.00014; ESP Exome Variant Server 0.00015.
gnomAD v4.1: 189 of 1,613,714 alleles (0.012%); highest among the groups gnomAD compares: Non-Finnish European, 0.015%; no homozygotes.

Submissions (3):

Labcorp Genetics (formerly Invitae), Labcorp
Classification: Uncertain significance. Last evaluated: 2025-10-20. Review status: criteria provided, single submitter. Criteria: Invitae Variant Classification Sherloc (09022015). Collection method: clinical testing. Allele origin: germline.
Comment: This sequence change replaces arginine, which is basic and polar, with threonine, which is neutral and polar, at codon 4147 of the FAT2 protein (p.Arg4147Thr). This variant is present in population databases (rs146563944, gnomAD 0.01%). This variant has not been reported in the literature in individuals affected with FAT2-related conditions. ClinVar contains an entry for this variant (Variation ID: 2712768). An algorithm developed to predict the effect of missense changes on protein structure and function (PolyPhen-2) suggests that this variant is likely to be tolerated. In summary, the available evidence is currently insufficient to determine the role of this variant in disease. Therefore, it has been classified as a Variant of Uncertain Significance.

PreventionGenetics, part of Exact Sciences
Classification: Uncertain significance for FAT2-related condition. Last evaluated: 2025-01-13. Review status: criteria provided, single submitter. Criteria: ACMG Guidelines, 2015. Collection method: clinical testing. Allele origin: germline.
Comment: The FAT2 c.12440G>C variant is predicted to result in the amino acid substitution p.Arg4147Thr. To our knowledge, this variant has not been reported in the literature. This variant is reported in 0.012% of alleles in individuals of European (Non-Finnish) descent in gnomAD. At this time, the clinical significance of this variant is uncertain due to the absence of conclusive functional and genetic evidence.

Ambry Genetics
Classification: Uncertain significance. Last evaluated: 2024-04-26. Review status: criteria provided, single submitter. Criteria: Ambry Variant Classification Scheme 2023. Collection method: clinical testing. Allele origin: germline.

NM_001447.3(FAT2):c.12440G>C (p.Arg4147Thr)

Genes: FAT2 (FAT atypical cadherin 2; minus strand), SLC36A1 (solute carrier family 36 member 1; plus strand). Cytogenetic location: 5q33.1.
Variant type: single nucleotide variant.
Coding change: c.12440G>C on transcript NM_001447.3 (MANE Select); coding-DNA position 12440, G replaced by C.
Protein change: p.Arg4147Thr; replaces arginine 4147 with threonine.
Molecular consequence: missense variant.
Genome position (GRCh38, 1-based): chr5:151,507,231, C>G on the plus strand (G>C on the coding strand, the complement: FAT2 is on the minus strand). VCF-style: chr5-151507231-C-G. GRCh37 (hg19) VCF-style: chr5-150886792-C-G.
Other names: c.12440G>C (NM_001447.2); short protein forms R4147T.
Identifiers: ClinVar variation 2712768 (VCV002712768.6), dbSNP rs146563944, ClinGen allele CA3519784.